The following is an entry in ClinVar:

ClinVar aggregate classification (germline): Uncertain significance (1 of 4 stars; one submission).

Conditions:
Pierson syndrome. Also called: MICROCORIA-CONGENITAL NEPHROTIC SYNDROME. Identifiers: Orphanet 2670, MedGen C1836876, MONDO:0012184, OMIM 609049.
LAMB2-related infantile-onset nephrotic syndrome. Also called: Nephrotic Syndrome, type 5; NEPHROTIC SYNDROME, TYPE 5, WITHOUT OCULAR ABNORMALITIES; NEPHROTIC SYNDROME, TYPE 5, WITH OCULAR ABNORMALITIES. Identifiers: Orphanet 306507, MedGen C3280113, MONDO:0013621, OMIM 614199.

Allele frequency attached by ClinVar (database versions not stated): TOPMed below 0.00001; gnomAD 0.00001.
gnomAD v4.1: 1 of 1,613,280 alleles (0.000062%); highest among the groups gnomAD compares: African/African-American, 0.0013%; no homozygotes.

Submission:

Labcorp Genetics (formerly Invitae), Labcorp
Classification: Uncertain significance for LAMB2-related infantile-onset nephrotic syndrome; Pierson syndrome. Last evaluated: 2020-02-17. Review status: criteria provided, single submitter. Criteria: Invitae Variant Classification Sherloc (09022015). Collection method: clinical testing. Allele origin: germline.
Comment: This variant is not present in population databases (ExAC no frequency). This sequence change replaces threonine with isoleucine at codon 1538 of the LAMB2 protein (p.Thr1538Ile). The threonine residue is moderately conserved and there is a moderate physicochemical difference between threonine and isoleucine. This variant has not been reported in the literature in individuals with LAMB2-related conditions. Algorithms developed to predict the effect of missense changes on protein structure and function are either unavailable or do not agree on the potential impact of this missense change (SIFT: "Deleterious"; PolyPhen-2: "Benign"; Align-GVGD: "Class C15"). In summary, the available evidence is currently insufficient to determine the role of this variant in disease. Therefore, it has been classified as a Variant of Uncertain Significance.

NM_002292.4(LAMB2):c.4613C>T (p.Thr1538Ile)

Gene: LAMB2 (laminin subunit beta 2; minus strand). Cytogenetic location: 3p21.31.
Variant type: single nucleotide variant.
Coding change: c.4613C>T on transcript NM_002292.4 (MANE Select); coding-DNA position 4613, C replaced by T.
Protein change: p.Thr1538Ile; replaces threonine 1538 with isoleucine.
Molecular consequence: missense variant.
Genome position (GRCh38, 1-based): chr3:49,122,331, G>A on the plus strand (C>T on the coding strand, the complement: LAMB2 is on the minus strand). VCF-style: chr3-49122331-G-A. GRCh37 (hg19) VCF-style: chr3-49159764-G-A.
Other names: short protein forms T1538I.
Identifiers: ClinVar variation 945381 (VCV000945381.7), dbSNP rs781065313, ClinGen allele CA352690550.